The following is an entry in ClinVar:

ClinVar aggregate classification (germline): Uncertain significance. Review status: criteria provided, multiple submitters, no conflicts (2 of 4 stars). 2 submissions from 2 submitters: Uncertain significance (2). Last evaluated 2022-04-21.

Allele frequency attached by ClinVar (database versions not stated): gnomAD 0.00002; TOPMed 0.00002; ExAC 0.00002; ESP Exome Variant Server 0.00008; gnomAD exomes 0.00001 and 0.00002.

Submissions (2):

Ambry Genetics
Classification: Uncertain significance. Last evaluated: 2022-04-21. Review status: criteria provided, single submitter. Criteria: Ambry Variant Classification Scheme 2023. Collection method: clinical testing. Allele origin: germline.

Labcorp Genetics (formerly Invitae), Labcorp
Classification: Uncertain significance. Last evaluated: 2022-02-01. Review status: criteria provided, single submitter. Criteria: Invitae Variant Classification Sherloc (09022015). Collection method: clinical testing. Allele origin: germline.
Comment: In summary, the available evidence is currently insufficient to determine the role of this variant in disease. Therefore, it has been classified as a Variant of Uncertain Significance. Algorithms developed to predict the effect of missense changes on protein structure and function are either unavailable or do not agree on the potential impact of this missense change (SIFT: "Tolerated"; PolyPhen-2: "Probably Damaging"; Align-GVGD: "Class C0"). ClinVar contains an entry for this variant (Variation ID: 570268). This variant has not been reported in the literature in individuals affected with LRRC10-related conditions. This variant is present in population databases (rs144313495, gnomAD 0.007%). This sequence change replaces leucine, which is neutral and non-polar, with phenylalanine, which is neutral and non-polar, at codon 64 of the LRRC10 protein (p.Leu64Phe).

NM_201550.4(LRRC10):c.190C>T (p.Leu64Phe)

Gene: LRRC10 (leucine rich repeat containing 10; minus strand). Cytogenetic location: 12q15.
Variant type: single nucleotide variant.
Coding change: c.190C>T on transcript NM_201550.4 (MANE Select); coding-DNA position 190, C replaced by T.
Protein change: p.Leu64Phe; replaces leucine 64 with phenylalanine.
Molecular consequence: missense variant.
Genome position (GRCh38, 1-based): chr12:69,610,649, G>A on the plus strand (C>T on the coding strand, the complement: LRRC10 is on the minus strand). VCF-style: chr12-69610649-G-A. GRCh37 (hg19) VCF-style: chr12-70004429-G-A.
Other names: c.190C>T (NM_201550.2); short protein forms L64F.
Identifiers: ClinVar variation 570268 (VCV000570268.9), dbSNP rs144313495, ClinGen allele CA6681115.